The following is an entry in ClinVar:

NM_007294.4(BRCA1):c.1094G>C (p.Arg365Thr)

Gene: BRCA1 (BRCA1 DNA repair associated; minus strand). Cytogenetic location: 17q21.31.
Variant type: single nucleotide variant.
Coding change: c.1094G>C on transcript NM_007294.4 (MANE Select); coding-DNA position 1094, G replaced by C.
Protein change: p.Arg365Thr; replaces arginine 365 with threonine.
Molecular consequence: missense variant. On other transcripts: intron variant (137).
Genome position (GRCh38, 1-based): chr17:43,094,437, C>G on the plus strand (G>C on the coding strand, the complement: BRCA1 is on the minus strand). VCF-style: chr17-43094437-C-G. GRCh37 (hg19) VCF-style: chr17-41246454-C-G.
Other names: c.1091G>C, p.Arg364Thr (NM_001407612.1, NM_001407613.1, NM_001407614.1 and 22 more transcripts); c.1094G>C, p.Arg365Thr (NM_001407616.1, NM_001407617.1, NM_001407618.1 and 30 more transcripts); c.1085G>C, p.Arg362Thr (NM_001407647.1, NM_001407646.1); c.971G>C, p.Arg324Thr (NM_001407648.1, NM_001407664.1, NM_001407665.1 and 19 more transcripts); c.968G>C, p.Arg323Thr (NM_001407649.1, NM_001407670.1, NM_001407671.1 and 11 more transcripts); c.1016G>C, p.Arg339Thr (NM_001407653.1, NM_001407654.1, NM_001407655.1 and 4 more transcripts); c.1013G>C, p.Arg338Thr (NM_001407659.1, NM_001407660.1, NM_001407661.1 and 1 more transcripts); c.881G>C, p.Arg294Thr (NM_001407571.1, NM_001407853.1, NM_001407894.1 and 9 more transcripts); and 40 more; short protein forms R318T, R365T, R254T, R294T, R197T, R253T, R324T, R338T.
Identifiers: ClinVar variation 1479230 (VCV001479230.10), dbSNP rs2053994698, ClinGen allele CA10599871.

ClinVar aggregate classification (germline): Conflicting classifications of pathogenicity. Review status: criteria provided, conflicting classifications (1 of 4 stars). 3 submissions from 3 submitters: Uncertain significance (2); Likely benign (1). Last evaluated 2024-11-25.

Conditions:
Hereditary cancer-predisposing syndrome. Also called: Tumor predisposition; Hereditary Cancer Syndrome; Hereditary neoplastic syndrome; Neoplastic Syndromes, Hereditary. Identifiers: Orphanet 140162, MedGen C0027672, MeSH D009386, MONDO:0015356.
Hereditary breast ovarian cancer syndrome. Also called: Hereditary breast and ovarian cancer; BRCA1- and BRCA2-Associated Hereditary Breast and Ovarian Cancer; Hereditary breast and ovarian cancer syndrome; Hereditary breast and ovarian cancer syndrome (HBOC); Breast and ovarian cancer; Hereditary breast and/or ovarian cancer syndrome. Identifiers: Orphanet 145, MedGen C0677776, MeSH D061325, MONDO:0003582. Disease mechanism: loss of function.

Submissions (3):

Ambry Genetics
Classification: Uncertain significance for Hereditary cancer-predisposing syndrome. Last evaluated: 2024-11-25. Review status: criteria provided, single submitter. Criteria: Ambry Variant Classification Scheme 2023. Collection method: clinical testing. Allele origin: germline.
Comment: The p.R365T variant (also known as c.1094G>C), located in coding exon 9 of the BRCA1 gene, results from a G to C substitution at nucleotide position 1094. The arginine at codon 365 is replaced by threonine, an amino acid with similar properties. This amino acid position is not well conserved in available vertebrate species. In addition, the in silico prediction for this alteration is inconclusive. Based on the available evidence, the clinical significance of this variant remains unclear.

Labcorp Genetics (formerly Invitae), Labcorp
Classification: Uncertain significance for Hereditary breast ovarian cancer syndrome. Last evaluated: 2024-06-12. Review status: criteria provided, single submitter. Criteria: Invitae Variant Classification Sherloc (09022015). Collection method: clinical testing. Allele origin: germline.
Comment: This sequence change replaces arginine, which is basic and polar, with threonine, which is neutral and polar, at codon 365 of the BRCA1 protein (p.Arg365Thr). This variant is not present in population databases (gnomAD no frequency). This variant has not been reported in the literature in individuals affected with BRCA1-related conditions. ClinVar contains an entry for this variant (Variation ID: 1479230). Advanced modeling of protein sequence and biophysical properties (such as structural, functional, and spatial information, amino acid conservation, physicochemical variation, residue mobility, and thermodynamic stability) performed at Invitae indicates that this missense variant is not expected to disrupt BRCA1 protein function with a negative predictive value of 95%. In summary, the available evidence is currently insufficient to determine the role of this variant in disease. Therefore, it has been classified as a Variant of Uncertain Significance.

University of Washington Department of Laboratory Medicine, University of Washington
Classification: Likely benign for Hereditary cancer-predisposing syndrome. Last evaluated: 2023-03-23. Review status: criteria provided, single submitter. Criteria: Dines et al. (Genet Med. 2020). Collection method: curation. Allele origin: germline.
Comment: Missense variant in a coldspot region where missense variants are very unlikely to be pathogenic (PMID:31911673).

BRCA1 coldspot (exon 11 using historical exon numbering). Reclassification based on statistical prior probability